The following is an entry in ClinVar:

ClinVar aggregate classification (germline): Uncertain significance (1 of 4 stars; one submission).

Conditions:
Cohen syndrome (COH1). Also called: PEPPER SYNDROME; Cutis verticis gyrata, retinitis pigmentosa, and sensorineural deafness. Identifiers: Orphanet 193, MedGen C0265223, MONDO:0008999, OMIM 216550.

gnomAD v4.1: 1 of 1,614,168 alleles (0.000062%); highest among the groups gnomAD compares: Non-Finnish European, 0.000085%; no homozygotes.

Submission:

Labcorp Genetics (formerly Invitae), Labcorp
Classification: Uncertain significance for Cohen syndrome. Last evaluated: 2024-09-26. Review status: criteria provided, single submitter. Criteria: Invitae Variant Classification Sherloc (09022015). Collection method: clinical testing. Allele origin: germline.
Comment: This sequence change replaces glutamic acid, which is acidic and polar, with lysine, which is basic and polar, at codon 3433 of the VPS13B protein (p.Glu3433Lys). This variant is not present in population databases (gnomAD no frequency). This variant has not been reported in the literature in individuals affected with VPS13B-related conditions. Invitae Evidence Modeling of protein sequence and biophysical properties (such as structural, functional, and spatial information, amino acid conservation, physicochemical variation, residue mobility, and thermodynamic stability) indicates that this missense variant is not expected to disrupt VPS13B protein function with a negative predictive value of 80%. In summary, the available evidence is currently insufficient to determine the role of this variant in disease. Therefore, it has been classified as a Variant of Uncertain Significance.

NM_152564.5(VPS13B):c.10222G>A (p.Glu3408Lys)

Gene: VPS13B (vacuolar protein sorting 13 homolog B; plus strand). Cytogenetic location: 8q22.2.
Variant type: single nucleotide variant.
Coding change: c.10222G>A on transcript NM_152564.5 (MANE Select); coding-DNA position 10222, G replaced by A.
Protein change: p.Glu3408Lys; replaces glutamic acid 3408 with lysine.
Molecular consequence: missense variant.
Genome position (GRCh38, 1-based): chr8:99,853,611, G>A. VCF-style: chr8-99853611-G-A. GRCh37 (hg19) VCF-style: chr8-100865839-G-A.
Other names: c.10297G>A, p.Glu3433Lys (NM_017890.5); short protein forms E3408K, E3433K.
Identifiers: ClinVar variation 3666063 (VCV003666063.2).